The following is an entry in ClinVar:

ClinVar aggregate classification (germline): Uncertain significance (1 of 4 stars; one submission).

gnomAD v4.1: 59 of 1,613,704 alleles (0.0037%); highest among the groups gnomAD compares: South Asian, 0.047%; no homozygotes.

Submission:

Ambry Genetics
Classification: Uncertain significance. Last evaluated: 2025-09-07. Review status: criteria provided, single submitter. Criteria: Ambry Variant Classification Scheme 2023. Collection method: clinical testing. Allele origin: germline.
Comment: The p.R374M variant (also known as c.1121G>T), located in coding exon 6 of the PKP4 gene, results from a G to T substitution at nucleotide position 1121. The arginine at codon 374 is replaced by methionine, an amino acid with similar properties. This amino acid position is conserved. In addition, this alteration is predicted to be deleterious by in silico analysis. Based on the available evidence, the clinical significance of this variant remains unclear.

NM_003628.6(PKP4):c.1121G>T (p.Arg374Met)

Gene: PKP4 (plakophilin 4; plus strand). Cytogenetic location: 2q24.1.
Variant type: single nucleotide variant.
Coding change: c.1121G>T on transcript NM_003628.6 (MANE Select); coding-DNA position 1121, G replaced by T.
Protein change: p.Arg374Met; replaces arginine 374 with methionine.
Molecular consequence: missense variant.
Genome position (GRCh38, 1-based): chr2:158,625,395, G>T. VCF-style: chr2-158625395-G-T. GRCh37 (hg19) VCF-style: chr2-159481907-G-T.
Other names: c.1121G>T, p.Arg374Met (NM_001005476.4, NM_001304969.3, NM_001304971.2 and 6 more transcripts); c.95G>T, p.Arg32Met (NM_001304970.3); c.1115G>T, p.Arg372Met (NM_001377222.1, NM_001377223.1, NM_001377224.1); short protein forms R32M, R374M, R372M.
Identifiers: ClinVar variation 4138167 (VCV004138167.1).